The following is an entry in ClinVar:

ClinVar aggregate classification (germline): Uncertain significance. Review status: criteria provided, multiple submitters, no conflicts (2 of 4 stars). 2 submissions from 2 submitters: Uncertain significance (2). Last evaluated 2024-02-19.

Conditions:
Hereditary cancer-predisposing syndrome. Also called: Tumor predisposition; Hereditary Cancer Syndrome; Hereditary neoplastic syndrome; Neoplastic Syndromes, Hereditary. Identifiers: Orphanet 140162, MedGen C0027672, MeSH D009386, MONDO:0015356.
Rhabdoid tumor predisposition syndrome 2 (RTPS2). Identifiers: Orphanet 231108, Orphanet 69077, MedGen C2750074, MONDO:0013224, OMIM 613325.

gnomAD v4.1: 3 of 1,613,864 alleles (0.00019%); highest among the groups gnomAD compares: South Asian, 0.0022%; no homozygotes.

Submissions (2):

Labcorp Genetics (formerly Invitae), Labcorp
Classification: Uncertain significance for Rhabdoid tumor predisposition syndrome 2. Last evaluated: 2024-02-19. Review status: criteria provided, single submitter. Criteria: Invitae Variant Classification Sherloc (09022015). Collection method: clinical testing. Allele origin: germline.
Comment: This sequence change replaces lysine, which is basic and polar, with asparagine, which is neutral and polar, at codon 689 of the SMARCA4 protein (p.Lys689Asn). This variant is not present in population databases (gnomAD no frequency). This variant has not been reported in the literature in individuals affected with SMARCA4-related conditions. ClinVar contains an entry for this variant (Variation ID: 2587124). Advanced modeling of protein sequence and biophysical properties (such as structural, functional, and spatial information, amino acid conservation, physicochemical variation, residue mobility, and thermodynamic stability) performed at Invitae indicates that this missense variant is not expected to disrupt SMARCA4 protein function with a negative predictive value of 95%. In summary, the available evidence is currently insufficient to determine the role of this variant in disease. Therefore, it has been classified as a Variant of Uncertain Significance.

Ambry Genetics
Classification: Uncertain significance for Hereditary cancer-predisposing syndrome. Last evaluated: 2023-07-17. Review status: criteria provided, single submitter. Criteria: Ambry Variant Classification Scheme 2023. Collection method: clinical testing. Allele origin: germline.
Comment: The p.K689N variant (also known as c.2067G>T), located in coding exon 13 of the SMARCA4 gene, results from a G to T substitution at nucleotide position 2067. The lysine at codon 689 is replaced by asparagine, an amino acid with similar properties. This amino acid position is well conserved in available vertebrate species. In addition, this alteration is predicted to be tolerated by in silico analysis. Missense and in-frame variants in SMARCA4 are known to cause neurodevelopmental disorders; however, such associations with rhabdoid tumor predisposition syndrome including small cell carcinoma of the ovary-hypercalcemic type (SCCOHT) are exceedingly rare (Kosho T et al. Am J Med Genet C Semin Med Genet. 2014 Sep;166C(3):262-75; Jelinic P et al. Nat Genet. 2014 May;46(5):424-6). Based on the supporting evidence, the association of this alteration with Coffin-Siris syndrome is unknown; however, the association of this alteration with rhabdoid tumor predisposition syndrome is unlikely.

NM_003072.5(SMARCA4):c.2067G>T (p.Lys689Asn)

Gene: SMARCA4 (SWI/SNF related BAF chromatin remodeling complex subunit ATPase 4; plus strand). Cytogenetic location: 19p13.2.
Variant type: single nucleotide variant.
Coding change: c.2067G>T on transcript NM_003072.5 (MANE Select); coding-DNA position 2067, G replaced by T.
Protein change: p.Lys689Asn; replaces lysine 689 with asparagine.
Molecular consequence: missense variant. On other transcripts: non-coding transcript variant (1).
Genome position (GRCh38, 1-based): chr19:11,007,967, G>T. VCF-style: chr19-11007967-G-T. GRCh37 (hg19) VCF-style: chr19-11118643-G-T.
Other names: c.2067G>T, p.Lys689Asn (NM_001128844.3, NM_001128845.2, NM_001128846.2 and 6 more transcripts); short protein forms K689N.
Identifiers: ClinVar variation 2587124 (VCV002587124.4), dbSNP rs2146192163, ClinGen allele CA404052503.